The following is an entry in ClinVar:

ClinVar aggregate classification (germline): Pathogenic/Likely pathogenic. Review status: criteria provided, multiple submitters, no conflicts (2 of 4 stars). 4 submissions from 4 submitters: Pathogenic (3); Likely pathogenic (1). Last evaluated 2024-10-08.

Conditions:
CTC1-related disorder. Also called: CTC1-related condition.
Cerebroretinal microangiopathy with calcifications and cysts 1 (CRMCC1). Identifiers: Orphanet 313838, MedGen C4552029, MONDO:0024564, OMIM 612199.
Inborn genetic diseases. Identifiers: MedGen C0950123, MeSH D030342.
Dyskeratosis congenita. Identifiers: Orphanet 1775, MedGen C0265965, MONDO:0015780.

Allele frequency attached by ClinVar (database versions not stated): gnomAD exomes below 0.00001; gnomAD 0.00003 and 0.00004; TOPMed 0.00003.

Submissions (4):

Labcorp Genetics (formerly Invitae), Labcorp
Classification: Pathogenic for Dyskeratosis congenita. Last evaluated: 2024-10-08. Review status: criteria provided, single submitter. Criteria: Invitae Variant Classification Sherloc (09022015). Collection method: clinical testing. Allele origin: germline.
Comment: This sequence change creates a premature translational stop signal (p.Lys562*) in the CTC1 gene. It is expected to result in an absent or disrupted protein product. Loss-of-function variants in CTC1 are known to be pathogenic (PMID: 22267198, 22387016). This variant is not present in population databases (gnomAD no frequency). This variant has not been reported in the literature in individuals affected with CTC1-related conditions. ClinVar contains an entry for this variant (Variation ID: 1455096). For these reasons, this variant has been classified as Pathogenic.

Women's Health and Genetics/Laboratory Corporation of America, LabCorp
Classification: Pathogenic for Cerebroretinal microangiopathy with calcifications and cysts 1. Last evaluated: 2023-09-22. Review status: criteria provided, single submitter. Criteria: LabCorp Variant Classification Summary - May 2015. Collection method: clinical testing. Allele origin: germline.
Comment: Variant summary: CTC1 c.1683dupT (p.Lys562X) results in a premature termination codon, predicted to cause a truncation of the encoded protein or absence of the protein due to nonsense mediated decay, which are commonly known mechanisms for disease. The variant was absent in 240594 control chromosomes. To our knowledge, no occurrence of c.1683dupT in individuals affected with Cerebroretinal Microangiopathy With Calcifications And Cysts 1 and no experimental evidence demonstrating its impact on protein function have been reported. Two submitters have cited clinical-significance assessments for this variant to ClinVar after 2014. All submitters classified the variant as pathogenic. Based on the evidence outlined above, the variant was classified as pathogenic.

Blueprint Genetics
Classification: Likely pathogenic for CTC1-related disorders. Last evaluated: 2022-02-21. Review status: criteria provided, single submitter. Criteria: ACMG Guidelines, 2015. Collection method: clinical testing. Allele origin: germline. Affected: yes. Observed: 2 variant alleles.

Ambry Genetics
Classification: Pathogenic for Inborn genetic diseases. Last evaluated: 2022-01-21. Review status: criteria provided, single submitter. Criteria: Ambry Variant Classification Scheme 2023. Collection method: clinical testing. Allele origin: germline.
Comment: The c.1683dupT (p.K562*) alteration, located in exon 10 (coding exon 10) of the CTC1 gene, consists of a duplication of T at position 1683, causing a translational frameshift with a predicted alternate stop codon after amino acids. This alteration is expected to result in loss of function by premature protein truncation or nonsense-mediated mRNA decay. This variant was not reported in population-based cohorts in the Genome Aggregation Database (gnomAD). Based on the available evidence, this alteration is classified as pathogenic.

Literature cited by the submitters: PubMed 22267198 (cited by Labcorp Genetics (formerly Invitae), Labcorp); PubMed 22387016 (cited by Labcorp Genetics (formerly Invitae), Labcorp).

NM_025099.6(CTC1):c.1683dup (p.Lys562Ter)

Gene: CTC1 (CST telomere replication complex component 1; minus strand). Cytogenetic location: 17p13.1.
Variant type: Duplication.
Coding change: c.1683dup on transcript NM_025099.6 (MANE Select); coding-DNA position 1683, one base duplicated (T; older notation c.1683dupT).
Protein change: p.Lys562Ter; replaces lysine 562 with a stop codon.
Molecular consequence: nonsense. On other transcripts: non-coding transcript variant (1).
Genome position (GRCh38, 1-based): chr17:8,234,590, A duplicated on the plus strand (T on the coding strand, the reverse complement: CTC1 is on the minus strand). VCF-style (leftmost placement, unchanged base first): chr17-8234589-T-TA. GRCh37 (hg19) VCF-style: chr17-8137907-T-TA.
Other names: c.1683dupT (NM_025099.5); short protein forms K562*.
Identifiers: ClinVar variation 1455096 (VCV001455096.8), dbSNP rs1053748363, ClinGen allele CA287535701.
Genomic context (GRCh38, chr17:8,234,589, plus strand): 5'-GCAGGTAGGAGGCCTCCGGGAGGGGCAGAAGGGCCTTAGGGTCAAAGGAGGCCCAGGCCT[T>TA]ACGCTGTCCTTCTTCTTTCAGGGTGGCCAGAGTGGGGAAGGAGGAGGGAGTCTGCAGCCG-3'